The following is an entry in ClinVar:

ClinVar aggregate classification (germline): Pathogenic (1 of 4 stars; one submission).

Conditions:
Hereditary nonpolyposis colorectal neoplasms. Identifiers: MedGen C0009405, MeSH D003123.

Submission:

Labcorp Genetics (formerly Invitae), Labcorp
Classification: Pathogenic for Hereditary nonpolyposis colorectal neoplasms. Last evaluated: 2017-03-20. Review status: criteria provided, single submitter. Criteria: Invitae Variant Classification Sherloc (09022015). Collection method: clinical testing. Allele origin: germline.
Comment: This variant is a gross deletion of the genomic region encompassing exon 11 of the PMS2 gene. This creates a premature translational stop signal and is expected to result in an absent or disrupted protein product. Loss-of-function variants in PMS2 are known to be pathogenic. A similar deletion of exon 11 has been reported in an individual with suspected Lynch syndrome (PMID: 25512458). For these reasons, this variant has been classified as Pathogenic.

NC_000007.13:g.(?_6026384)_(6027257_?)del

Gene: PMS2 (PMS1 homolog 2, mismatch repair system component; minus strand). Cytogenetic location: 7p22.1.
Variant type: Deletion.
Identifiers: ClinVar variation 455074 (VCV000455074.1).